The following is an entry in ClinVar:

ClinVar aggregate classification (germline): Uncertain significance. Review status: criteria provided, multiple submitters, no conflicts (2 of 4 stars). 2 submissions from 2 submitters: Uncertain significance (2). Last evaluated 2025-07-07.

Conditions:
Inborn genetic diseases. Identifiers: MedGen C0950123, MeSH D030342.

Allele frequency attached by ClinVar (database versions not stated): gnomAD exomes 0.00001; ExAC 0.00002; gnomAD 0.00002; TOPMed 0.00002.
gnomAD v4.1: 12 of 1,613,508 alleles (0.00074%); highest among the groups gnomAD compares: East Asian, 0.027%; no homozygotes.

Submissions (2):

Labcorp Genetics (formerly Invitae), Labcorp
Classification: Uncertain significance. Last evaluated: 2025-07-07. Review status: criteria provided, single submitter. Criteria: Invitae Variant Classification Sherloc (09022015). Collection method: clinical testing. Allele origin: germline.
Comment: This sequence change replaces glutamic acid, which is acidic and polar, with glycine, which is neutral and non-polar, at codon 479 of the NPR3 protein (p.Glu479Gly). This variant is present in population databases (rs750883965, gnomAD 0.02%). This variant has not been reported in the literature in individuals affected with NPR3-related conditions. ClinVar contains an entry for this variant (Variation ID: 1915137). An algorithm developed to predict the effect of missense changes on protein structure and function (PolyPhen-2) suggests that this variant is likely to be tolerated. In summary, the available evidence is currently insufficient to determine the role of this variant in disease. Therefore, it has been classified as a Variant of Uncertain Significance.

Ambry Genetics
Classification: Uncertain significance for Inborn genetic diseases. Last evaluated: 2023-12-13. Review status: criteria provided, single submitter. Criteria: Ambry Variant Classification Scheme 2023. Collection method: clinical testing. Allele origin: germline.

NM_001204375.2(NPR3):c.1439A>G (p.Glu480Gly)

Gene: NPR3 (natriuretic peptide receptor 3; plus strand). Cytogenetic location: 5p13.3.
Variant type: single nucleotide variant.
Coding change: c.1439A>G on transcript NM_001204375.2 (MANE Select); coding-DNA position 1439, A replaced by G.
Protein change: p.Glu480Gly; replaces glutamic acid 480 with glycine.
Molecular consequence: missense variant.
Genome position (GRCh38, 1-based): chr5:32,784,808, A>G. VCF-style: chr5-32784808-A-G. GRCh37 (hg19) VCF-style: chr5-32784914-A-G.
Other names: c.1436A>G, p.Glu479Gly (NM_000908.4); c.788A>G, p.Glu263Gly (NM_001204376.2); c.791A>G, p.Glu264Gly (NM_001363652.2); c.719A>G, p.Glu240Gly (NM_001364458.2); c.668A>G, p.Glu223Gly (NM_001364460.2); c.1439A>G (NM_001204375.1); short protein forms E223G, E263G, E264G, E479G, E480G, E240G.
Identifiers: ClinVar variation 1915137 (VCV001915137.6), dbSNP rs750883965, ClinGen allele CA3222671.